The following is an entry in ClinVar:

ClinVar aggregate classification (germline): Uncertain significance. Review status: criteria provided, multiple submitters, no conflicts (2 of 4 stars). 3 submissions from 3 submitters: Uncertain significance (3). Last evaluated 2025-03-17.

Conditions:
Familial adenomatous polyposis 1 (FAP1). Also called: FAMILIAL ADENOMATOUS POLYPOSIS 1, ATTENUATED; POLYPOSIS, ADENOMATOUS INTESTINAL. Identifiers: MedGen C2713442, MONDO:0021056, OMIM 175100. Disease mechanism: loss of function.
Classic or attenuated familial adenomatous polyposis. Identifiers: MedGen CN372698, MONDO:0021057.
Hereditary cancer-predisposing syndrome. Also called: Neoplastic Syndromes, Hereditary; Hereditary Cancer Syndrome; Tumor predisposition; Hereditary neoplastic syndrome. Identifiers: Orphanet 140162, MedGen C0027672, MeSH D009386, MONDO:0015356.

Submissions (3):

Labcorp Genetics (formerly Invitae), Labcorp
Classification: Uncertain significance for Familial adenomatous polyposis 1. Last evaluated: 2025-03-17. Review status: criteria provided, single submitter. Criteria: Invitae Variant Classification Sherloc (09022015). Collection method: clinical testing. Allele origin: germline.
Comment: This sequence change replaces alanine, which is neutral and non-polar, with threonine, which is neutral and polar, at codon 1508 of the APC protein (p.Ala1508Thr). This variant is not present in population databases (gnomAD no frequency). This variant has not been reported in the literature in individuals affected with APC-related conditions. ClinVar contains an entry for this variant (Variation ID: 2847537). Invitae Evidence Modeling of protein sequence and biophysical properties (such as structural, functional, and spatial information, amino acid conservation, physicochemical variation, residue mobility, and thermodynamic stability) indicates that this missense variant is not expected to disrupt APC protein function with a negative predictive value of 95%. In summary, the available evidence is currently insufficient to determine the role of this variant in disease. Therefore, it has been classified as a Variant of Uncertain Significance.

All of Us Research Program, National Institutes of Health
Classification: Uncertain significance for Classic or attenuated familial adenomatous polyposis. Last evaluated: 2024-03-24. Review status: criteria provided, single submitter. Criteria: ACMG Guidelines, 2015. Collection method: clinical testing. Allele origin: germline. Inheritance: Autosomal dominant inheritance. Observed: 1 variant allele, 1 heterozygote.
Comment: This missense variant replaces alanine with threonine at codon 1508 of the APC protein. Computational prediction is inconclusive regarding the impact of this variant on protein structure and function (internally defined REVEL score threshold 0.5 < inconclusive < 0.7, PMID: 27666373). To our knowledge, functional studies have not been reported for this variant. This variant has not been reported in individuals affected with APC-related disorders in the literature. This variant has not been identified in the general population by the Genome Aggregation Database (gnomAD). The available evidence is insufficient to determine the role of this variant in disease conclusively. Therefore, this variant is classified as a Variant of Uncertain Significance.

This study involves interpretation of variants in research participants for the purpose of population health screening. Participant phenotype was not available at the time of variant classification. Additional details can be found in publication PMID: 35346344, PMCID: PMC8962531

Color Diagnostics, LLC DBA Color Health
Classification: Uncertain significance for Hereditary cancer-predisposing syndrome. Last evaluated: 2024-02-21. Review status: criteria provided, single submitter. Criteria: ACMG Guidelines, 2015. Collection method: clinical testing. Allele origin: germline.
Comment: This missense variant replaces alanine with threonine at codon 1508 of the APC protein. Computational prediction is inconclusive regarding the impact of this variant on protein structure and function. To our knowledge, functional studies have not been reported for this variant. This variant has not been reported in individuals affected with APC-related disorders in the literature. This variant has not been identified in the general population by the Genome Aggregation Database (gnomAD). The available evidence is insufficient to determine the role of this variant in disease conclusively. Therefore, this variant is classified as a Variant of Uncertain Significance.

NM_000038.6(APC):c.4522G>A (p.Ala1508Thr)

Gene: APC (APC regulator of Wnt signaling pathway; plus strand). Cytogenetic location: 5q22.2.
Variant type: single nucleotide variant.
Coding change: c.4522G>A on transcript NM_000038.6 (MANE Select); coding-DNA position 4522, G replaced by A.
Protein change: p.Ala1508Thr; replaces alanine 1508 with threonine.
Molecular consequence: missense variant. On other transcripts: non-coding transcript variant (2).
Genome position (GRCh38, 1-based): chr5:112,840,116, G>A. VCF-style: chr5-112840116-G-A. GRCh37 (hg19) VCF-style: chr5-112175813-G-A.
Other names: c.4522G>A, p.Ala1508Thr (NM_001127510.3, NM_001354895.2, NM_001407450.1); c.4468G>A, p.Ala1490Thr (NM_001127511.3); c.4576G>A, p.Ala1526Thr (NM_001354896.2, NM_001407447.1, NM_001407448.1 and 1 more transcripts); c.4552G>A, p.Ala1518Thr (NM_001354897.2); c.4447G>A, p.Ala1483Thr (NM_001354898.2); c.4438G>A, p.Ala1480Thr (NM_001354899.2); c.4399G>A, p.Ala1467Thr (NM_001354900.2); c.4345G>A, p.Ala1449Thr (NM_001354901.2, NM_001407453.1); and 11 more; short protein forms A1124T, A1483T, A1501T, A1508T, A1518T, A1449T, A1498T, A1536T.
Identifiers: ClinVar variation 2847537 (VCV002847537.5), dbSNP rs1580649249, ClinGen allele CA16031226.
Genomic context (GRCh38, chr5:112,840,116, plus strand): 5'-TTATTACATTTTGCCACGGAAAGTACTCCAGATGGATTTTCTTGTTCATCCAGCCTGAGT[G>A]CTCTGAGCCTCGATGAGCCATTTATACAGAAAGATGTGGAATTAAGAATAATGCCTCCAG-3'
Protein context (NP_000029.2, residues 1498-1518): DGFSCSSSLS[Ala1508Thr]LSLDEPFIQK